The following is an entry in ClinVar:

ClinVar aggregate classification (germline): Uncertain significance (1 of 4 stars; one submission).

Allele frequency attached by ClinVar (database versions not stated): gnomAD exomes below 0.00001 and 0.00002; ExAC 0.00002; TOPMed 0.00002.
gnomAD v4.1: 14 of 1,583,254 alleles (0.00088%); highest among the groups gnomAD compares: East Asian, 0.029%; no homozygotes.

Submission:

Labcorp Genetics (formerly Invitae), Labcorp
Classification: Uncertain significance. Last evaluated: 2024-12-02. Review status: criteria provided, single submitter. Criteria: Invitae Variant Classification Sherloc (09022015). Collection method: clinical testing. Allele origin: germline.
Comment: This sequence change replaces isoleucine, which is neutral and non-polar, with methionine, which is neutral and non-polar, at codon 662 of the IFT81 protein (p.Ile662Met). This variant is present in population databases (rs767908870, gnomAD 0.01%). This variant has not been reported in the literature in individuals affected with IFT81-related conditions. ClinVar contains an entry for this variant (Variation ID: 1483695). Invitae Evidence Modeling of protein sequence and biophysical properties (such as structural, functional, and spatial information, amino acid conservation, physicochemical variation, residue mobility, and thermodynamic stability) indicates that this missense variant is not expected to disrupt IFT81 protein function with a negative predictive value of 80%. In summary, the available evidence is currently insufficient to determine the role of this variant in disease. Therefore, it has been classified as a Variant of Uncertain Significance.

NM_014055.4(IFT81):c.1986T>G (p.Ile662Met)

Gene: IFT81 (intraflagellar transport 81; plus strand). Cytogenetic location: 12q24.11.
Variant type: single nucleotide variant.
Coding change: c.1986T>G on transcript NM_014055.4 (MANE Select); coding-DNA position 1986, T replaced by G.
Protein change: p.Ile662Met; replaces isoleucine 662 with methionine.
Molecular consequence: missense variant. On other transcripts: non-coding transcript variant (4).
Genome position (GRCh38, 1-based): chr12:110,218,181, T>G. VCF-style: chr12-110218181-T-G. GRCh37 (hg19) VCF-style: chr12-110655986-T-G.
Other names: c.1986T>G, p.Ile662Met (NM_001143779.2); c.1056T>G, p.Ile352Met (NM_001347947.2, NM_001347948.2); short protein forms I662M, I352M.
Identifiers: ClinVar variation 1483695 (VCV001483695.7), dbSNP rs767908870, ClinGen allele CA6783546.